The following is an entry in ClinVar:

ClinVar aggregate classification (germline): Pathogenic/Likely pathogenic. Review status: criteria provided, multiple submitters, no conflicts (2 of 4 stars). 2 submissions from 2 submitters: Pathogenic (1); Likely pathogenic (1). Last evaluated 2025-02-14.

Conditions:
Hereditary spastic paraplegia 49 (HSAN9). Also called: Spastic paraplegia 49, autosomal recessive; TECPR2-Related Hereditary Sensory and Autonomic Neuropathy with Intellectual Disability; NEUROPATHY, HEREDITARY SENSORY AND AUTONOMIC, TYPE IX, WITH DEVELOPMENTAL DELAY. Identifiers: Orphanet 320385, MedGen C5190860, MONDO:0014016, OMIM 615031.

Allele frequency attached by ClinVar (database versions not stated): TOPMed 0.00001.

Submissions (2):

Natera, Inc.
Classification: Likely pathogenic for Autosomal recessive spastic paraplegia type 49. Last evaluated: 2025-02-14. Review status: criteria provided, single submitter. Criteria: Natera Variant Classification Schema (03/2026). Collection method: clinical testing. Allele origin: germline.
Comment: The c.25dupA variant in TECPR2 is a frameshift variant predicted to shift the reading frame beginning at codon 9 and leads to a stop codon 65 codons downstream. This variant is expected to result in nonsense mediated decay, truncation, or a dysfunctional protein product. This variant is rare in the general population with a frequency below the threshold expected for the associated phenotype(s). Given the available evidence, this variant is classified as Likely Pathogenic.

Labcorp Genetics (formerly Invitae), Labcorp
Classification: Pathogenic for Hereditary spastic paraplegia 49. Last evaluated: 2023-11-13. Review status: criteria provided, single submitter. Criteria: Invitae Variant Classification Sherloc (09022015). Collection method: clinical testing. Allele origin: germline.
Comment: This sequence change creates a premature translational stop signal (p.Thr9Asnfs*65) in the TECPR2 gene. It is expected to result in an absent or disrupted protein product. Loss-of-function variants in TECPR2 are known to be pathogenic (PMID: 23176824, 25590979). This variant is not present in population databases (gnomAD no frequency). This variant has not been reported in the literature in individuals affected with TECPR2-related conditions. ClinVar contains an entry for this variant (Variation ID: 1353644). For these reasons, this variant has been classified as Pathogenic.

Literature cited by the submitters: PubMed 23176824 (cited by Labcorp Genetics (formerly Invitae), Labcorp); PubMed 25590979 (cited by Labcorp Genetics (formerly Invitae), Labcorp).

NM_014844.5(TECPR2):c.25dup (p.Thr9fs)

Gene: TECPR2 (tectonin beta-propeller repeat containing 2; plus strand). Cytogenetic location: 14q32.31.
Variant type: Duplication.
Coding change: c.25dup on transcript NM_014844.5 (MANE Select); coding-DNA position 25, one base duplicated (A; older notation c.25dupA).
Protein change: p.Thr9fs; shifts the reading frame from threonine 9.
Molecular consequence: frameshift variant.
Genome position (GRCh38, 1-based): chr14:102,376,746, A duplicated. VCF-style (leftmost placement, unchanged base first): chr14-102376745-T-TA. GRCh37 (hg19) VCF-style: chr14-102843082-T-TA.
Other names: c.25dup, p.Thr9fs (NM_001172631.3); c.25dupA (NM_014844.4); short protein forms T9fs.
Identifiers: ClinVar variation 1353644 (VCV001353644.7), dbSNP rs1486136461, ClinGen allele CA703205969.
Genomic context (GRCh38, chr14:102,376,745, plus strand): 5'-TTTTCCTGCGTGAAGATAGTCTGTGGAAACCTTGGCCATGGCATCGATATCAGAGCCTGT[T>TA]ACATTCAGAGAGTTCTGCCCGTTGTACTATCTCCTCAATGCCATTCCGACAAAGATCCAG-3'